The following is an entry in ClinVar:

ClinVar aggregate classification (germline): Uncertain significance (1 of 4 stars; one submission).

Submission:

GeneDx
Classification: Uncertain significance. Last evaluated: 2022-05-20. Review status: criteria provided, single submitter. Criteria: GeneDx Variant Classification Process June 2021. Collection method: clinical testing. Allele origin: germline. Affected: yes.
Comment: Not observed at significant frequency in large population cohorts (gnomAD); In silico analysis supports that this variant does not alter protein structure/function; Has not been previously published as pathogenic or benign to our knowledge

NM_005120.3(MED12):c.3928_3930delinsTCC (p.Pro1310Ser)

Gene: MED12 (mediator complex subunit 12; plus strand). Cytogenetic location: Xq13.1.
Variant type: Indel.
Coding change: c.3928_3930delinsTCC on transcript NM_005120.3 (MANE Select); coding-DNA positions 3928 to 3930, CCA replaced by TCC.
Protein change: p.Pro1310Ser; replaces proline 1310 with serine.
Molecular consequence: missense variant.
Genome position (GRCh38, 1-based): chrX:71,130,095-71,130,097, CCA replaced by TCC. VCF-style: chrX-71130095-CCA-TCC. GRCh37 (hg19) VCF-style: chrX-70349945-CCA-TCC.
Other names: short protein forms P1310S.
Identifiers: ClinVar variation 213649 (VCV000213649.4), dbSNP rs863223712, ClinGen allele CA320565.